The following is an entry in ClinVar:

ClinVar aggregate classification (germline): Uncertain significance (1 of 4 stars; one submission).

Submission:

Ambry Genetics
Classification: Uncertain significance. Last evaluated: 2024-12-10. Review status: criteria provided, single submitter. Criteria: Ambry Variant Classification Scheme 2023. Collection method: clinical testing. Allele origin: germline.
Comment: The p.S370R variant (also known as c.1110T>G), located in coding exon 2 of the CDK12 gene, results from a T to G substitution at nucleotide position 1110. The serine at codon 370 is replaced by arginine, an amino acid with dissimilar properties. This amino acid position is conserved. In addition, this alteration is predicted to be tolerated by in silico analysis. Based on the available evidence, the clinical significance of this variant remains unclear.

NM_016507.4(CDK12):c.1110T>G (p.Ser370Arg)

Gene: CDK12 (cyclin dependent kinase 12; plus strand). Cytogenetic location: 17q12.
Variant type: single nucleotide variant.
Coding change: c.1110T>G on transcript NM_016507.4 (MANE Select); coding-DNA position 1110, T replaced by G.
Protein change: p.Ser370Arg; replaces serine 370 with arginine.
Molecular consequence: missense variant.
Genome position (GRCh38, 1-based): chr17:39,470,942, T>G. VCF-style: chr17-39470942-T-G. GRCh37 (hg19) VCF-style: chr17-37627195-T-G.
Other names: c.1110T>G, p.Ser370Arg (NM_015083.4); short protein forms S370R.
Identifiers: ClinVar variation 3489413 (VCV003489413.1).